The following is an entry in ClinVar:

ClinVar aggregate classification (germline): Conflicting classifications of pathogenicity. Review status: criteria provided, conflicting classifications (1 of 4 stars). 5 submissions from 5 submitters: Uncertain significance (1); Likely benign (3). 1 of the submissions does not count toward it. Last evaluated 2026-01-28.

Conditions:
ACO2-related disorder. Also called: ACO2-Related Disorders.
Inborn genetic diseases. Identifiers: MedGen C0950123, MeSH D030342.

Allele frequency attached by ClinVar (database versions not stated): gnomAD exomes 0.00030; ExAC 0.00035; gnomAD 0.00097 and 0.00100; TOPMed 0.00099; ESP Exome Variant Server 0.00100; 1000 Genomes Project 0.00180; 1000 Genomes Project 30x 0.00203.
gnomAD v4.1: 324 of 1,613,182 alleles (0.02%); highest among the groups gnomAD compares: African/African-American, 0.31%; no homozygotes.

Submissions (5):

Labcorp Genetics (formerly Invitae), Labcorp
Classification: Likely benign. Last evaluated: 2026-01-28. Review status: criteria provided, single submitter. Criteria: Invitae Variant Classification Sherloc (09022015). Collection method: clinical testing. Allele origin: germline.

Blueprint Genetics
Classification: Likely benign. Last evaluated: 2024-05-27. Review status: criteria provided, single submitter. Criteria: ACMG Guidelines, 2015. Collection method: clinical testing. Allele origin: germline.

Ambry Genetics
Classification: Likely benign for Inborn genetic diseases. Last evaluated: 2022-06-10. Review status: criteria provided, single submitter. Criteria: Ambry Variant Classification Scheme 2023. Collection method: clinical testing. Allele origin: germline.

GeneDx
Classification: Uncertain significance. Last evaluated: 2021-12-22. Review status: criteria provided, single submitter. Criteria: GeneDx Variant Classification Process June 2021. Collection method: clinical testing. Allele origin: germline. Affected: yes.
Comment: In silico analysis supports that this missense variant has a deleterious effect on protein structure/function; Has not been previously published as pathogenic or benign to our knowledge

PreventionGenetics, part of Exact Sciences
Classification: Likely benign for ACO2-related condition. Last evaluated: 2022-05-16. Review status: no assertion criteria provided. Collection method: clinical testing. Allele origin: germline. Not counted in ClinVar's aggregate classification.
Comment: This variant is classified as likely benign based on ACMG/AMP sequence variant interpretation guidelines (Richards et al. 2015 PMID: 25741868, with internal and published modifications).

NM_001098.3(ACO2):c.2278G>A (p.Glu760Lys)

Genes: ACO2 (aconitase 2; plus strand), POLR3H (RNA polymerase III subunit H; minus strand). Cytogenetic location: 22q13.2.
Variant type: single nucleotide variant.
Coding change: c.2278G>A on transcript NM_001098.3 (MANE Select); coding-DNA position 2278, G replaced by A.
Protein change: p.Glu760Lys; replaces glutamic acid 760 with lysine.
Molecular consequence: missense variant. On other transcripts: 3 prime UTR variant (5).
Genome position (GRCh38, 1-based): chr22:41,528,548, G>A. VCF-style: chr22-41528548-G-A. GRCh37 (hg19) VCF-style: chr22-41924552-G-A.
Other names: c.*735C>T (NM_001018050.4, NM_001018052.4, NM_001282884.2 and 2 more transcripts); short protein forms E760K.
Identifiers: ClinVar variation 727506 (VCV000727506.17), dbSNP rs115203053, ClinGen allele CA10257957.